The following is an entry in ClinVar:

ClinVar aggregate classification (germline): Uncertain significance. Review status: criteria provided, multiple submitters, no conflicts (2 of 4 stars). 2 submissions from 2 submitters: Uncertain significance (2). Last evaluated 2024-11-04.

Allele frequency attached by ClinVar (database versions not stated): gnomAD exomes 0.00003 and 0.00004; gnomAD 0.00004; TOPMed 0.00004; ExAC 0.00005; ESP Exome Variant Server 0.00008.
gnomAD v4.1: 64 of 1,613,314 alleles (0.004%); highest among the groups gnomAD compares: African/African-American, 0.0053%; no homozygotes.

Submissions (2):

Women's Health and Genetics/Laboratory Corporation of America, LabCorp
Classification: Uncertain significance. Last evaluated: 2024-11-04. Review status: criteria provided, single submitter. Criteria: LabCorp Variant Classification Summary - May 2015. Collection method: clinical testing. Allele origin: germline.
Comment: Variant summary: TTN c.18571C>T (p.Pro6191Ser) results in a non-conservative amino acid change located in the I-band region of the encoded protein sequence. Two of three in-silico tools predict a benign effect of the variant on protein function. The variant allele was found at a frequency of 2.8e-05 in 248328 control chromosomes. The available data on variant occurrences in the general population are insufficient to allow any conclusion about variant significance. To our knowledge, no occurrence of c.18571C>T in individuals affected with Limb-Girdle Muscular Dystrophy, Type 2J and no experimental evidence demonstrating its impact on protein function have been reported. ClinVar contains an entry for this variant (Variation ID: 1329053). Based on the evidence outlined above, the variant was classified as uncertain significance.

Mayo Clinic Laboratories, Mayo Clinic
Classification: Uncertain significance. Last evaluated: 2024-08-30. Review status: criteria provided, single submitter. Criteria: ACMG Guidelines, 2015. Collection method: clinical testing. Allele origin: germline. Observed: 1 variant allele.

NM_001267550.2(TTN):c.22303C>T (p.Pro7435Ser)

Gene: TTN (titin; minus strand). Cytogenetic location: 2q31.2.
Variant type: single nucleotide variant.
Coding change: c.22303C>T on transcript NM_001267550.2 (MANE Select); coding-DNA position 22303, C replaced by T.
Protein change: p.Pro7435Ser; replaces proline 7435 with serine.
Molecular consequence: missense variant. On other transcripts: intron variant (3).
Genome position (GRCh38, 1-based): chr2:178,722,484, G>A on the plus strand (C>T on the coding strand, the complement: TTN is on the minus strand). VCF-style: chr2-178722484-G-A. GRCh37 (hg19) VCF-style: chr2-179587211-G-A.
Other names: p.Pro7118Ser; c.21352C>T, p.Pro7118Ser (NM_001256850.1); c.18571C>T, p.Pro6191Ser (NM_133378.4); c.13282+15598C>T (NM_003319.4); c.13858+15598C>T (NM_133437.4); c.13657+15598C>T (NM_133432.3); short protein forms P6191S, P7118S, P7435S.
Identifiers: ClinVar variation 1329053 (VCV001329053.4), dbSNP rs375037712, ClinGen allele CA2000857.